The following is an entry in ClinVar:

ClinVar aggregate classification (germline): Benign. Review status: criteria provided, multiple submitters, no conflicts (2 of 4 stars). 2 submissions from 2 submitters: Benign (2). Last evaluated 2019-10-16.

Allele frequency attached by ClinVar (database versions not stated): ESP Exome Variant Server 0.00338; gnomAD 0.01110 and 0.01425; gnomAD exomes 0.01190 and 0.02712; TOPMed 0.01578; ExAC 0.02581; 1000 Genomes Project 30x 0.03592; 1000 Genomes Project 0.03614.

Submissions (2):

GeneDx
Classification: Benign. Last evaluated: 2019-10-16. Review status: criteria provided, single submitter. Criteria: GeneDx Variant Classification Process June 2021. Collection method: clinical testing. Allele origin: germline. Affected: yes.
Comment: This variant is associated with the following publications: (PMID: 29669943)

Breakthrough Genomics
Classification: Benign. Review status: criteria provided, single submitter. Criteria: ACMG Guidelines, 2015. Collection method: not provided. Allele origin: germline. Inheritance: Unknown mechanism. Affected: yes.

NM_001140.5(ALOX15):c.1849C>T (p.Pro617Ser)

Gene: ALOX15 (arachidonate 15-lipoxygenase; minus strand). Cytogenetic location: 17p13.2.
Variant type: single nucleotide variant.
Coding change: c.1849C>T on transcript NM_001140.5 (MANE Select); coding-DNA position 1849, C replaced by T.
Protein change: p.Pro617Ser; replaces proline 617 with serine.
Molecular consequence: missense variant.
Genome position (GRCh38, 1-based): chr17:4,631,740, G>A on the plus strand (C>T on the coding strand, the complement: ALOX15 is on the minus strand). VCF-style: chr17-4631740-G-A. GRCh37 (hg19) VCF-style: chr17-4535035-G-A.
Other names: short protein forms P617S.
Identifiers: ClinVar variation 1225468 (VCV001225468.4), dbSNP rs41432647, ClinGen allele CA8306646.
Genomic context (GRCh38, chr17:4,631,740, plus strand): 5'-TTTCCTTATCCAGGGCAGCCAGCTCCTCCCTGAACTTCTTCAGCACAGCCTTAGGCTCAG[G>A]GCCCGAAAAATACTCCTCCTCATGCTGGCCCACAGCCACCTGGGAGGGAGAGGAAAAGGT-3'
Protein context (NP_001131.3, residues 607-627): GQHEEEYFSG[Pro617Ser]EPKAVLKKFR